The following is an entry in ClinVar:

ClinVar aggregate classification (germline): Uncertain significance (1 of 4 stars; one submission).

Conditions:
Ataxia-telangiectasia syndrome (AT). Also called: Ataxia-telangiectasia, complementation group D; AT, COMPLEMENTATION GROUP C; ATAXIA-TELANGIECTASIA, COMPLEMENTATION GROUP A; ATAXIA-TELANGIECTASIA, FRESNO VARIANT; Ataxia-telangiectasia; Ataxia telangiectasia (A-T). Identifiers: Orphanet 100, MedGen C0004135, MONDO:0008840, OMIM 208900.

Submission:

Labcorp Genetics (formerly Invitae), Labcorp
Classification: Uncertain significance for Ataxia-telangiectasia syndrome. Last evaluated: 2019-07-08. Review status: criteria provided, single submitter. Criteria: Invitae Variant Classification Sherloc (09022015). Collection method: clinical testing. Allele origin: germline.
Comment: In summary, the available evidence is currently insufficient to determine the role of this variant in disease. Therefore, it has been classified as a Variant of Uncertain Significance. Algorithms developed to predict the effect of missense changes on protein structure and function (SIFT, PolyPhen-2, Align-GVGD) all suggest that this variant is likely to be tolerated, but these predictions have not been confirmed by published functional studies and their clinical significance is uncertain. This variant has not been reported in the literature in individuals with ATM-related conditions. This variant is not present in population databases (ExAC no frequency). This sequence change replaces serine with arginine at codon 2591 of the ATM protein (p.Ser2591Arg). The serine residue is weakly conserved and there is a moderate physicochemical difference between serine and arginine.

NM_000051.4(ATM):c.7771A>C (p.Ser2591Arg)

Genes: ATM (ATM serine/threonine kinase; plus strand), C11orf65 (chromosome 11 open reading frame 65; minus strand). Cytogenetic location: 11q22.3.
Variant type: single nucleotide variant.
Coding change: c.7771A>C on transcript NM_000051.4 (MANE Select); coding-DNA position 7771, A replaced by C.
Protein change: p.Ser2591Arg; replaces serine 2591 with arginine.
Molecular consequence: missense variant. On other transcripts: intron variant (2).
Genome position (GRCh38, 1-based): chr11:108,332,020, A>C. VCF-style: chr11-108332020-A-C. GRCh37 (hg19) VCF-style: chr11-108202747-A-C.
Other names: c.7771A>C, p.Ser2591Arg (NM_001351834.2); c.641-22949T>G (NM_001330368.2); c.*38+3200T>G (NM_001351110.2); short protein forms S2591R.
Identifiers: ClinVar variation 945708 (VCV000945708.10), dbSNP rs2086312114, ClinGen allele CA382561189.
Genomic context (GRCh38, chr11:108,332,020, plus strand): 5'-TTTCTGACTAAACCAGAGGTAGCCAGAAGAAGCAGAATAACTAAAAATGTGCCTAAACAA[A>C]GCTCTCAGCTTGATGAGGTATTTGGATTAAACATACGTACCTTTTAGAAGTGTGATATTC-3'
Protein context (NP_000042.3, residues 2581-2601): SRITKNVPKQ[Ser2591Arg]SQLDEDRTEA